The following is an entry in ClinVar:

ClinVar aggregate classification (germline): Uncertain significance (1 of 4 stars; one submission).

gnomAD v4.1: 5 of 1,614,044 alleles (0.00031%); highest among the groups gnomAD compares: Admixed American, 0.0067%; no homozygotes.

Submission:

GeneDx
Classification: Uncertain significance. Last evaluated: 2024-12-12. Review status: criteria provided, single submitter. Criteria: GeneDx Variant Classification Process June 2021. Collection method: clinical testing. Allele origin: germline. Affected: yes.
Comment: Not observed at significant frequency in large population cohorts (gnomAD); In silico analysis supports that this missense variant has a deleterious effect on protein structure/function; Has not been previously published as pathogenic or benign to our knowledge

NM_001379180.1(ESRRB):c.412G>A (p.Val138Met)

Gene: ESRRB (estrogen related receptor beta; plus strand). Cytogenetic location: 14q24.3.
Variant type: single nucleotide variant.
Coding change: c.412G>A on transcript NM_001379180.1 (MANE Select); coding-DNA position 412, G replaced by A.
Protein change: p.Val138Met; replaces valine 138 with methionine.
Molecular consequence: missense variant.
Genome position (GRCh38, 1-based): chr14:76,439,702, G>A. VCF-style: chr14-76439702-G-A. GRCh37 (hg19) VCF-style: chr14-76906045-G-A.
Other names: c.364G>A, p.Val122Met (NM_001411038.1); c.349G>A, p.Val117Met (NM_004452.4); short protein forms V117M, V122M, V138M.
Identifiers: ClinVar variation 3902907 (VCV003902907.1).
Genomic context (GRCh38, chr14:76,439,702, plus strand): 5'-GCCATCCCCAAGCGCCTGTGCCTCGTGTGCGGGGACATTGCCTCTGGCTACCACTACGGC[G>A]TGGCCTCCTGCGAGGCTTGCAAGGCCTTCTTCAAGAGGACTATCCAAGGTGCGTGGTGGG-3'
Protein context (NP_001366109.1, residues 128-148): GDIASGYHYG[Val138Met]ASCEACKAFF